The following is an entry in ClinVar:

ClinVar aggregate classification (germline): Uncertain significance (1 of 4 stars; one submission).

Conditions:
Charcot-Marie-Tooth disease type 2E (CMT2E). Also called: CHARCOT-MARIE-TOOTH DISEASE, AXONAL, TYPE 2E; CHARCOT-MARIE-TOOTH NEUROPATHY, TYPE 2E. Identifiers: Orphanet 99939, MedGen C1843225, MONDO:0011894, OMIM 607684.

Allele frequency attached by ClinVar (database versions not stated): gnomAD 0.00001; gnomAD exomes 0.00001; TOPMed 0.00001.

Submission:

Labcorp Genetics (formerly Invitae), Labcorp
Classification: Uncertain significance for Charcot-Marie-Tooth disease type 2E. Last evaluated: 2023-03-18. Review status: criteria provided, single submitter. Criteria: Invitae Variant Classification Sherloc (09022015). Collection method: clinical testing. Allele origin: germline.
Comment: In summary, the available evidence is currently insufficient to determine the role of this variant in disease. Therefore, it has been classified as a Variant of Uncertain Significance. Advanced modeling of protein sequence and biophysical properties (such as structural, functional, and spatial information, amino acid conservation, physicochemical variation, residue mobility, and thermodynamic stability) performed at Invitae indicates that this missense variant is not expected to disrupt NEFL protein function. This variant has not been reported in the literature in individuals affected with NEFL-related conditions. The frequency data for this variant in the population databases is considered unreliable, as metrics indicate poor data quality at this position in the gnomAD database. This sequence change replaces aspartic acid, which is acidic and polar, with asparagine, which is neutral and polar, at codon 200 of the NEFL protein (p.Asp200Asn).

NM_006158.5(NEFL):c.598G>A (p.Asp200Asn)

Gene: NEFL (neurofilament light chain; minus strand). Cytogenetic location: 8p21.2.
Variant type: single nucleotide variant.
Coding change: c.598G>A on transcript NM_006158.5 (MANE Select); coding-DNA position 598, G replaced by A.
Protein change: p.Asp200Asn; replaces aspartic acid 200 with asparagine.
Molecular consequence: missense variant.
Genome position (GRCh38, 1-based): chr8:24,955,918, C>T on the plus strand (G>A on the coding strand, the complement: NEFL is on the minus strand). VCF-style: chr8-24955918-C-T. GRCh37 (hg19) VCF-style: chr8-24813432-C-T.
Other names: short protein forms D200N.
Identifiers: ClinVar variation 2914486 (VCV002914486.3), dbSNP rs1312229375, ClinGen allele CA370622046.